The following is an entry in ClinVar:

ClinVar aggregate classification (germline): Uncertain significance (1 of 4 stars; one submission).

Conditions:
Neurofibromatosis, type 1 (NF1). Also called: Neurofibromatosis, type I; Peripheral type neurofibromatosis; VON RECKLINGHAUSEN DISEASE; NEUROFIBROMATOSIS, TYPE I, SOMATIC. Identifiers: Orphanet 636, MedGen C0027831, MONDO:0018975, OMIM 162200. Disease mechanism: loss of function.

Allele frequency attached by ClinVar (database versions not stated): gnomAD exomes below 0.00001.
gnomAD v4.1: 1 of 1,613,080 alleles (0.000062%); highest among the groups gnomAD compares: Non-Finnish European, 0.000085%; no homozygotes.

Submission:

Labcorp Genetics (formerly Invitae), Labcorp
Classification: Uncertain significance for Neurofibromatosis, type 1. Last evaluated: 2022-06-14. Review status: criteria provided, single submitter. Criteria: Invitae Variant Classification Sherloc (09022015). Collection method: clinical testing. Allele origin: germline.
Comment: In summary, the available evidence is currently insufficient to determine the role of this variant in disease. Therefore, it has been classified as a Variant of Uncertain Significance. Advanced modeling of protein sequence and biophysical properties (such as structural, functional, and spatial information, amino acid conservation, physicochemical variation, residue mobility, and thermodynamic stability) performed at Invitae indicates that this missense variant is expected to disrupt NF1 protein function. This variant has not been reported in the literature in individuals affected with NF1-related conditions. This variant is not present in population databases (gnomAD no frequency). This sequence change replaces alanine, which is neutral and non-polar, with proline, which is neutral and non-polar, at codon 1708 of the NF1 protein (p.Ala1708Pro).

NM_001042492.3(NF1):c.5185G>C (p.Ala1729Pro)

Gene: NF1 (neurofibromin 1; plus strand). Cytogenetic location: 17q11.2.
Variant type: single nucleotide variant.
Coding change: c.5185G>C on transcript NM_001042492.3 (MANE Select); coding-DNA position 5185, G replaced by C.
Protein change: p.Ala1729Pro; replaces alanine 1729 with proline.
Molecular consequence: missense variant.
Genome position (GRCh38, 1-based): chr17:31,326,169, G>C. VCF-style: chr17-31326169-G-C. GRCh37 (hg19) VCF-style: chr17-29653187-G-C.
Other names: c.5122G>C, p.Ala1708Pro (NM_000267.4); short protein forms A1708P, A1729P.
Identifiers: ClinVar variation 2006355 (VCV002006355.4), dbSNP rs2151538835, ClinGen allele CA399007988.